The following is an entry in ClinVar:

GRCh37/hg19 7q11.23(chr7:72547476-74263704)x3

Genes: ABHD11 (abhydrolase domain containing 11; minus strand), ABHD11-AS1 (ABHD11 antisense RNA 1 (tail to tail); plus strand), BAZ1B (bromodomain adjacent to zinc finger domain 1B; minus strand), BCL7B (BAF chromatin remodeling complex subunit BCL7B; minus strand), BUD23 (BUD23 rRNA methyltransferase and ribosome maturation factor; plus strand) and 24 more. Cytogenetic location: 7q11.23.
Variant type: copy number gain.
Change: copy number 3 (three copies instead of two) of chr7:72,547,476-74,263,704 (1.72 Mb, GRCh37 coordinates, 1-based), cytogenetic band 7q11.23.
Identifiers: ClinVar variation 2684488 (VCV002684488.1).

ClinVar aggregate classification (germline): Pathogenic (1 of 4 stars; one submission).

Submission:

Quest Diagnostics Nichols Institute San Juan Capistrano
Classification: Pathogenic. Last evaluated: 2023-02-09. Review status: criteria provided, single submitter. Criteria: ACMG/ClinGen CNV Guidelines, 2019. Collection method: clinical testing. Allele origin: unknown.
Comment: This copy number gain involves multiple protein-coding genes and is associated with chromosome 7q11.23 duplication syndrome (OMIM 609757). Although some individuals present with intellectual disability, others have no notable cognitive disabilities, and inheritance from an affected parent has been reported. This copy number gain is classified as pathogenic. See GeneReviews for additional information and references.